The following is an entry in ClinVar:

NM_001375524.1(TRRAP):c.10757C>T (p.Pro3586Leu)

Gene: TRRAP (transformation/transcription domain associated protein; plus strand). Cytogenetic location: 7q22.1.
Variant type: single nucleotide variant.
Coding change: c.10757C>T on transcript NM_001375524.1 (MANE Select); coding-DNA position 10757, C replaced by T.
Protein change: p.Pro3586Leu; replaces proline 3586 with leucine.
Molecular consequence: missense variant.
Genome position (GRCh38, 1-based): chr7:99,008,380, C>T. VCF-style: chr7-99008380-C-T. GRCh37 (hg19) VCF-style: chr7-98606003-C-T.
Other names: c.10715C>T, p.Pro3572Leu (NM_001244580.2); c.10628C>T, p.Pro3543Leu (NM_003496.4); c.10715C>T (NM_001244580.1); short protein forms P3543L, P3572L, P3586L.
Identifiers: ClinVar variation 2843045 (VCV002843045.4), dbSNP rs867728493, ClinGen allele CA163092732.

ClinVar aggregate classification (germline): Uncertain significance. Review status: criteria provided, multiple submitters, no conflicts (2 of 4 stars). 2 submissions from 2 submitters: Uncertain significance (2). Last evaluated 2025-05-18.

Conditions:
Inborn genetic diseases. Identifiers: MedGen C0950123, MeSH D030342.

Allele frequency attached by ClinVar (database versions not stated): gnomAD exomes below 0.00001.
gnomAD v4.1: 2 of 1,614,006 alleles (0.00012%); highest among the groups gnomAD compares: South Asian, 0.0011%; no homozygotes.

Submissions (2):

Ambry Genetics
Classification: Uncertain significance for Inborn genetic diseases. Last evaluated: 2025-05-18. Review status: criteria provided, single submitter. Criteria: Ambry Variant Classification Scheme 2023. Collection method: clinical testing. Allele origin: germline.

Labcorp Genetics (formerly Invitae), Labcorp
Classification: Uncertain significance. Last evaluated: 2023-03-04. Review status: criteria provided, single submitter. Criteria: Invitae Variant Classification Sherloc (09022015). Collection method: clinical testing. Allele origin: germline.
Comment: In summary, the available evidence is currently insufficient to determine the role of this variant in disease. Therefore, it has been classified as a Variant of Uncertain Significance. Advanced modeling of protein sequence and biophysical properties (such as structural, functional, and spatial information, amino acid conservation, physicochemical variation, residue mobility, and thermodynamic stability) performed at Invitae indicates that this missense variant is expected to disrupt TRRAP protein function. This variant has not been reported in the literature in individuals affected with TRRAP-related conditions. This variant is not present in population databases (gnomAD no frequency). This sequence change replaces proline, which is neutral and non-polar, with leucine, which is neutral and non-polar, at codon 3543 of the TRRAP protein (p.Pro3543Leu).